The following is an entry in ClinVar:

ClinVar aggregate classification (germline): Benign/Likely benign. Review status: criteria provided, multiple submitters, no conflicts (2 of 4 stars). 8 submissions from 8 submitters: Benign (1); Likely benign (6). 1 of the submissions does not count toward it. Last evaluated 2026-01-19.

Conditions:
Hereditary cancer-predisposing syndrome. Also called: Neoplastic Syndromes, Hereditary; Hereditary Cancer Syndrome; Tumor predisposition; Hereditary neoplastic syndrome. Identifiers: Orphanet 140162, MedGen C0027672, MeSH D009386, MONDO:0015356.
Ataxia-telangiectasia syndrome (AT). Also called: LOUIS-BAR SYNDROME; Cerebello-oculocutaneous telangiectasia; Immunodeficiency with ataxia telangiectasia; Ataxia-telangiectasia, complementation group D; AT, COMPLEMENTATION GROUP C; Ataxia-telangiectasia, complementation group E. Identifiers: Orphanet 100, MedGen C0004135, MONDO:0008840, OMIM 208900.
Malignant tumor of breast. Also called: Malignant breast neoplasm; Cancer breast. Identifiers: MedGen C0006142, MONDO:0007254. Disease mechanism: loss of function.
Familial cancer of breast. Also called: Hereditary breast cancer; BREAST CANCER, FAMILIAL; hereditary breast carcinoma. Identifiers: Orphanet 227535, MedGen C0346153, MONDO:0016419, OMIM 114480. Disease mechanism: loss of function.

gnomAD v4.1: 4 of 1,597,160 alleles (0.00025%); highest among the groups gnomAD compares: Non-Finnish European, 0.00034%; no homozygotes.

Submissions (8):

Labcorp Genetics (formerly Invitae), Labcorp
Classification: Likely benign for Ataxia-telangiectasia syndrome. Last evaluated: 2026-01-19. Review status: criteria provided, single submitter. Criteria: Invitae Variant Classification Sherloc (09022015). Collection method: clinical testing. Allele origin: germline.

Center for Genomic Medicine, Rigshospitalet, Copenhagen University Hospital
Classification: Likely benign. Last evaluated: 2025-03-04. Review status: criteria provided, single submitter. Criteria: ACMG Guidelines, 2015. Collection method: clinical testing. Allele origin: germline.

Myriad Genetics, Inc.
Classification: Benign for Familial cancer of breast. Last evaluated: 2024-05-28. Review status: criteria provided, single submitter. Criteria: Myriad Autosomal Dominant, Autosomal Recessive and X-Linked Classification Criteria (2023). Collection method: clinical testing. Allele origin: unknown.
Comment: This variant is considered benign. This variant is a silent/synonymous amino acid change and it is not expected to impact splicing.

Blueprint Genetics
Classification: Likely benign. Last evaluated: 2023-05-22. Review status: criteria provided, single submitter. Criteria: ACMG Guidelines, 2015. Collection method: clinical testing. Allele origin: germline.

GeneDx
Classification: Likely benign. Last evaluated: 2021-05-11. Review status: criteria provided, single submitter. Criteria: GeneDx Variant Classification Process June 2021. Collection method: clinical testing. Allele origin: germline. Affected: yes.

Ambry Genetics
Classification: Likely benign for Hereditary cancer-predisposing syndrome. Last evaluated: 2018-08-23. Review status: criteria provided, single submitter. Criteria: Ambry Variant Classification Scheme 2023. Collection method: clinical testing. Allele origin: germline.

Color Diagnostics, LLC DBA Color Health
Classification: Likely benign for Hereditary cancer-predisposing syndrome. Last evaluated: 2017-08-26. Review status: criteria provided, single submitter. Criteria: ACMG Guidelines, 2015. Collection method: clinical testing. Allele origin: germline.

Department of Pathology and Laboratory Medicine, Sinai Health System
Classification: Uncertain significance for Malignant tumor of breast. Review status: no assertion criteria provided. Collection method: clinical testing. Allele origin: unknown. Affected: yes. Study: The Canadian Open Genetics Repository (COGR). Not counted in ClinVar's aggregate classification.
Comment: The ATM p.Ser1987= variant was identified in 1 of 240 proband chromosomes (frequency: 0.004) from an individuals with a lymphoid neoplasm and was not identified in 200 control chromosomes from healthy individuals (Gronbaek 2002). The variant was identified in ClinVar (classified as likely benign by Color). The variant was not identified in dbSNP and LOVD 3.0. The variant was not identified in the following control databases: the Exome Aggregation Consortium (August 8th 2016) or the Genome Aggregation Database (Feb 27, 2017). The p.Ser1987= variant is not expected to have clinical significance because it does not result in a change of amino acid and it occurs at a non-conserved nucleotide outside of the splicing consensus sequence. However, 1 of 4 in silico or computational prediction software programs (SpliceSiteFinder, MaxEntScan, NNSPLICE, GeneSplicer) predict the introduction of a cryptic splice site; this is not very predictive of pathogenicity. In summary, based on the above information, the clinical significance of this variant cannot be determined with certainty at this time. This variant is classified as a variant of uncertain significance.

Literature cited by the submitters: PubMed 12149228 (cited by Ambry Genetics).

NM_000051.4(ATM):c.5961T>C (p.Ser1987=)

Genes: ATM (ATM serine/threonine kinase; plus strand), C11orf65 (chromosome 11 open reading frame 65; minus strand). Cytogenetic location: 11q22.3.
Variant type: single nucleotide variant.
Coding change: c.5961T>C on transcript NM_000051.4 (MANE Select); coding-DNA position 5961, T replaced by C.
Protein change: p.Ser1987=; no amino-acid change (serine 1987 retained).
Molecular consequence: synonymous variant. On other transcripts: intron variant (2).
Genome position (GRCh38, 1-based): chr11:108,312,453, T>C. VCF-style: chr11-108312453-T-C. GRCh37 (hg19) VCF-style: chr11-108183180-T-C.
Other names: c.5961T>C, p.Ser1987= (NM_001351834.2); c.641-3382A>G (NM_001330368.2); c.*39-3382A>G (NM_001351110.2).
Identifiers: ClinVar variation 490634 (VCV000490634.60), dbSNP rs1060504265, ClinGen allele CA476675548.